The following is an entry in ClinVar:

NM_178565.5(RSPO2):c.454G>A (p.Glu152Lys)

Gene: RSPO2 (R-spondin 2; minus strand). Cytogenetic location: 8q23.1.
Variant type: single nucleotide variant.
Coding change: c.454G>A on transcript NM_178565.5 (MANE Select); coding-DNA position 454, G replaced by A.
Protein change: p.Glu152Lys; replaces glutamic acid 152 with lysine.
Molecular consequence: missense variant.
Genome position (GRCh38, 1-based): chr8:107,958,242, C>T on the plus strand (G>A on the coding strand, the complement: RSPO2 is on the minus strand). VCF-style: chr8-107958242-C-T. GRCh37 (hg19) VCF-style: chr8-108970470-C-T.
Other names: c.262G>A, p.Glu88Lys (NM_001282863.2); c.253G>A, p.Glu85Lys (NM_001317942.2); short protein forms E85K, E88K, E152K.
Identifiers: ClinVar variation 1971104 (VCV001971104.5), dbSNP rs140125293, ClinGen allele CA4841565.
Genomic context (GRCh38, chr8:107,958,242, plus strand): 5'-TGGTTTCCAGACCCCATTTAAATCCACATGTGCGATTATTTCTGCTACAAGTTCCCCATT[C>T]GCTCCAATGACCAACTTCACATCCTTCTAGTAAAGATTTTTAGAAAAAGAAAAAAAAACA-3'
Protein context (NP_848660.3, residues 142-162): VEGCEVGHWS[Glu152Lys]WGTCSRNNRT

ClinVar aggregate classification (germline): Uncertain significance (1 of 4 stars; one submission).

Allele frequency attached by ClinVar (database versions not stated): TOPMed 0.00002; gnomAD 0.00003; gnomAD exomes 0.00003; ExAC 0.00007; ESP Exome Variant Server 0.00008.
gnomAD v4.1: 42 of 1,613,480 alleles (0.0026%); highest among the groups gnomAD compares: East Asian, 0.0089%; no homozygotes.

Submission:

Labcorp Genetics (formerly Invitae), Labcorp
Classification: Uncertain significance. Last evaluated: 2023-08-10. Review status: criteria provided, single submitter. Criteria: Invitae Variant Classification Sherloc (09022015). Collection method: clinical testing. Allele origin: germline.
Comment: In summary, the available evidence is currently insufficient to determine the role of this variant in disease. Therefore, it has been classified as a Variant of Uncertain Significance. Advanced modeling of protein sequence and biophysical properties (such as structural, functional, and spatial information, amino acid conservation, physicochemical variation, residue mobility, and thermodynamic stability) performed at Invitae indicates that this missense variant is not expected to disrupt RSPO2 protein function. ClinVar contains an entry for this variant (Variation ID: 1971104). This variant has not been reported in the literature in individuals affected with RSPO2-related conditions. This variant is present in population databases (rs140125293, gnomAD 0.02%). This sequence change replaces glutamic acid, which is acidic and polar, with lysine, which is basic and polar, at codon 152 of the RSPO2 protein (p.Glu152Lys).